The following is an entry in ClinVar:

ClinVar aggregate classification (germline): Pathogenic (0 of 4 stars; one submission).

Conditions:
Steinert myotonic dystrophy syndrome (DM1). Also called: STEINERT DISEASE; Myotonic dystrophy type 1; Dystrophia myotonica type 1; Steinert myotonic dystrophy; Steinert's disease. Identifiers: Orphanet 273, MedGen C3250443, MONDO:0008056, OMIM 160900.

Submission:

Institute of Molecular, Cell and Systems Biology, University of Glasgow
Classification: Pathogenic for Steinert myotonic dystrophy syndrome. Review status: no assertion criteria provided. Criteria: research. Collection method: research. Allele origin: germline. Inheritance: Autosomal dominant inheritance. Affected: no. Observed: 1 heterozygote.
Comment: DMPK CTG repeat expansions greater than approximately 45-50 repeats are assumed to be pathogenic

This record is based on data published in PubMed 25052313, which reports only ClinVar accessions SCV000120188 and SCV000120189. The complete data set includes SCV000207445 - SCV000207579.

Literature cited by the submitters: PubMed 1346923; PubMed 1546326; PubMed 25052313.

NM_004409.5(DMPK):c.*224CTG[261]

Genes: DM1-AS (DM1 locus antisense RNA; plus strand), DMPK (DM1 protein kinase; minus strand), LOC107075317 (origin of replication in DMPK trinucleotide repeat region; plus strand), LOC109461477 (dystrophia myotonica protein kinase repeat instability region; plus strand). Cytogenetic location: 19q13.32.
Variant type: Microsatellite.
Coding change: c.*224CTG[261] on transcript NM_004409.5 (MANE Select); 261 copies in a row of the 3-base unit CTG starting at c.*224.
Molecular consequence: 3 prime UTR variant.
Genome position: GRCh38, VCF-style position (the base before the change): chr19:45,770,204. GRCh37 (hg19), VCF-style position (the base before the change): chr19:46,273,462.
Other names: DM1 CTG repeat expansion; c.*224CTG[261] (NM_001081560.3, NM_001288764.2, NM_001424165.1 and 1 more transcripts); c.*217CTG[261] (NM_001081562.3, NM_001288765.2, NM_001424162.1 and 2 more transcripts); c.*222_*224TGC[261] (NM_001081563.3); c.*369CTG[261] (NM_001288766.2, NM_001424164.1, NM_001424168.1).
Identifiers: ClinVar variation 187949 (VCV000187949.1), ClinGen allele CA915951747.